The following is an entry in ClinVar:

ClinVar aggregate classification (germline): Uncertain significance (1 of 4 stars; one submission).

gnomAD v4.1: 4 of 1,602,852 alleles (0.00025%); highest among the groups gnomAD compares: Non-Finnish European, 0.00034%; no homozygotes.

Submission:

Women's Health and Genetics/Laboratory Corporation of America, LabCorp
Classification: Uncertain significance. Last evaluated: 2025-02-11. Review status: criteria provided, single submitter. Criteria: LabCorp Variant Classification Summary - May 2015. Collection method: clinical testing. Allele origin: germline.
Comment: Variant summary: CFI c.-17C>A is located in the untranslated mRNA region upstream of the initiation codon. The variant allele was found at a frequency of 1.2e-05 in 250880 control chromosomes. The available data on variant occurrences in the general population are insufficient to allow any conclusion about variant significance. To our knowledge, no occurrence of c.-17C>A in individuals affected with Complement Factor I Deficiency and no experimental evidence demonstrating its impact on protein function have been reported. No submitters have cited clinical-significance assessments for this variant to ClinVar. Based on the evidence outlined above, the variant was classified as uncertain significance.

NM_000204.5(CFI):c.-17C>A

Gene: CFI (complement factor I; minus strand). Cytogenetic location: 4q25.
Variant type: single nucleotide variant.
Coding change: c.-17C>A on transcript NM_000204.5 (MANE Select); 17 bases upstream of the start codon, C replaced by A.
Molecular consequence: 5 prime UTR variant. On other transcripts: non-coding transcript variant (3).
Genome position (GRCh38, 1-based): chr4:109,801,988, G>T on the plus strand (C>A on the coding strand, the complement: CFI is on the minus strand). VCF-style: chr4-109801988-G-T. GRCh37 (hg19) VCF-style: chr4-110723144-G-T.
Other names: c.-17C>A (NM_001318057.2, NM_001331035.2, NM_001375278.1 and 5 more transcripts); c.-201C>A (NM_001375284.1).
Identifiers: ClinVar variation 3768603 (VCV003768603.1).